The following is an entry in ClinVar:

NM_000540.3(RYR1):c.8463G>A (p.Trp2821Ter)

Genes: RYR1 (ryanodine receptor 1; plus strand), LOC126862902 (BRD4-independent group 4 enhancer GRCh37_chr19:38995830-38997029; plus strand). Cytogenetic location: 19q13.2.
Variant type: single nucleotide variant.
Coding change: c.8463G>A on transcript NM_000540.3 (MANE Select); coding-DNA position 8463, G replaced by A.
Protein change: p.Trp2821Ter; replaces tryptophan 2821 with a stop codon.
Molecular consequence: nonsense.
Genome position (GRCh38, 1-based): chr19:38,505,868, G>A. VCF-style: chr19-38505868-G-A. GRCh37 (hg19) VCF-style: chr19-38996508-G-A.
Other names: c.8463G>A, p.Trp2821Ter (NM_001042723.2); short protein forms W2821*.
Identifiers: ClinVar variation 373926 (VCV000373926.11), dbSNP rs1057518773, ClinGen allele CA16043556.

ClinVar aggregate classification (germline): Conflicting classifications of pathogenicity. Review status: criteria provided, conflicting classifications (1 of 4 stars). 6 submissions from 6 submitters: Pathogenic (3); Uncertain significance (1). 2 of the submissions do not count toward it. Last evaluated 2025-06-24.

Conditions:
Malignant hyperthermia, susceptibility to, 1 (MHS1). Also called: Pharmacogenic myopathy; Malignant hyperthermia suceptibility 1; Anesthesia related hyperthermia; Malignant hyperpyrexia; Fulminating hyperpyrexia; RYR1-Related Malignant Hyperthermia Susceptibility. Identifiers: Orphanet 423, MedGen C2930980, MONDO:0007783, OMIM 145600.
Congenital multicore myopathy with external ophthalmoplegia (CMYO1B). Also called: Congenital myopathy 1B, autosomal recessive; Minicore myopathy; Minicore myopathy with external ophthalmoplegia; MULTIMINICORE DISEASE WITH EXTERNAL OPHTHALMOPLEGIA; MULTICORE MYOPATHY. Identifiers: Orphanet 598, Orphanet 98905, MedGen C1850674, MONDO:0009712, OMIM 255320, HP:0003789.
Central core myopathy (CMYO1A). Also called: Central core disease; Myopathy, central fibrillar; CONGENITAL MYOPATHY 1A, AUTOSOMAL DOMINANT, WITH SUSCEPTIBILITY TO MALIGNANT HYPERTHERMIA. Identifiers: Orphanet 597, MedGen C5830701, MONDO:0007294, OMIM 117000.
King Denborough syndrome (KDS). Identifiers: MedGen C1840365, MONDO:0020485, OMIM 619542.
RYR1-related disorder. Also called: RYR1-related condition; RYR1-related disorders. Identifiers: MedGen CN239331.
Myopathy. Identifiers: MedGen C0026848, MeSH D009135, MONDO:0005336, HP:0003198.

Allele frequency attached by ClinVar (database versions not stated): gnomAD exomes below 0.00001.
gnomAD v4.1: 1 of 1,614,176 alleles (0.000062%); highest among the groups gnomAD compares: Non-Finnish European, 0.000085%; no homozygotes.

Submissions (6):

Color Diagnostics, LLC DBA Color Health
Classification: Uncertain significance for Malignant hyperthermia, susceptibility to, 1. Last evaluated: 2025-06-24. Review status: criteria provided, single submitter. Criteria: ACMG Guidelines, 2015. Collection method: clinical testing. Allele origin: germline.
Comment: This variant changes 1 nucleotide in exon 54 of the RYR1 gene, creating a premature translation stop signal. This variant is expected to result in an absent or non-functional protein product. To our knowledge, this variant has not been reported in individuals affected with autosomal dominant malignant hyperthermia in the literature. This variant has not been identified in the general population by the Genome Aggregation Database (gnomAD). Loss of RYR1 function due to truncation variants is not an established disease mechanism for autosomal dominant malignant hyperthermia, although it is associated with other phenotype(s) (ClinVar Variation ID: 373926). Therefore, this variant is classified as a Variant of Uncertain Significance for autosomal dominant malignant hyperthermia.

Labcorp Genetics (formerly Invitae), Labcorp
Classification: Pathogenic for RYR1-related disorder. Last evaluated: 2025-02-05. Review status: criteria provided, single submitter. Criteria: Invitae Variant Classification Sherloc (09022015). Collection method: clinical testing. Allele origin: germline.
Comment: This sequence change creates a premature translational stop signal (p.Trp2821*) in the RYR1 gene. It is expected to result in an absent or disrupted protein product. Loss-of-function variants in RYR1 are known to be pathogenic (PMID: 23919265, 25960145, 28818389, 30611313). This variant is not present in population databases (gnomAD no frequency). This premature translational stop signal has been observed in individual(s) with autosomal recessive congenital myopathy (PMID: 22473935). ClinVar contains an entry for this variant (Variation ID: 373926). For these reasons, this variant has been classified as Pathogenic.

Fulgent Genetics
Classification: Pathogenic for Central core myopathy; Malignant hyperthermia, susceptibility to, 1; Congenital multicore myopathy with external ophthalmoplegia; King Denborough syndrome. Last evaluated: 2024-03-13. Review status: criteria provided, single submitter. Criteria: ACMG Guidelines, 2015. Collection method: clinical testing. Allele origin: germline.

PreventionGenetics, part of Exact Sciences
Classification: Pathogenic for RYR1-related condition. Last evaluated: 2023-01-27. Review status: criteria provided, single submitter. Criteria: ACMG Guidelines, 2015. Collection method: clinical testing. Allele origin: germline.
Comment: The RYR1 c.8463G>A variant is predicted to result in premature protein termination (p.Trp2821*). This variant has been reported in the compound heterozygous state in two individuals with myopathies (Klein et al 2012. PubMed ID: 22473935; Babić Božović I et al 2021. PubMed ID: 34106991). This variant has not been reported in a large population database, indicating this variant is rare. Nonsense variants in RYR1 are expected to be pathogenic for autosomal recessive myopathy phenotypes but not malignant hyperthermia. This variant is interpreted as pathogenic for autosomal recessive myopathy.

Centre for Mendelian Genomics, University Medical Centre Ljubljana
Classification: Likely pathogenic for Myopathy. Last evaluated: 2016-07-06. Review status: no assertion criteria provided. Collection method: clinical testing. Allele origin: unknown. Affected: yes. Not counted in ClinVar's aggregate classification.

All of Us Research Program, National Institutes of Health
Classification: Uncertain significance for Malignant hyperthermia, susceptibility to, 1. Last evaluated: 2023-01-10. Review status: flagged submission. Criteria: ACMG Guidelines, 2015. Collection method: clinical testing. Allele origin: germline. Inheritance: Autosomal dominant inheritance. Observed: 1 variant allele, 1 heterozygote. Not counted in ClinVar's aggregate classification.
Comment: This pathogenicity assessment is for autosomal dominant malignant hyperthermia susceptibility phenotype. This frameshift variant is predicted to result in an absent RYR1 protein product. Loss of RYR1 function due to haploinsufficiency is associated with congenital myopathy, but it is not an established disease mechanism for autosomal dominant malignant hyperthermia susceptibility. Therefore, this variant is classified as a Variant of Uncertain Significance for malignant hyperthermia susceptibility.

This study involves interpretation of variants in research participants for the purpose of population health screening. Participant phenotype was not available at the time of variant classification. Additional details can be found in publication PMID: 35346344, PMCID: PMC8962531
ClinVar note: Reason: Outlier claim with insufficient supporting evidence

Literature cited by the submitters: PubMed 23919265 (cited by Labcorp Genetics (formerly Invitae), Labcorp); PubMed 25960145 (cited by Labcorp Genetics (formerly Invitae), Labcorp); PubMed 28818389 (cited by Labcorp Genetics (formerly Invitae), Labcorp); PubMed 30611313 (cited by Labcorp Genetics (formerly Invitae), Labcorp); PubMed 22473935 (cited by Labcorp Genetics (formerly Invitae), Labcorp).